The following is an entry in ClinVar:

ClinVar aggregate classification (germline): Uncertain significance (1 of 4 stars; one submission).

Conditions:
Immunodeficiency 14 (IMD14A). Also called: ACTIVATED PI3K-DELTA SYNDROME 1; p110-DELTA-ACTIVATING MUTATION CAUSING SENESCENT T CELLS, LYMPHADENOPATHY, AND IMMUNODEFICIENCY; Activated PI3K Delta Syndrome Type 1 (APDS1); IMMUNODEFICIENCY 14A WITH LYMPHOPROLIFERATION, AUTOSOMAL DOMINANT. Identifiers: Orphanet 397596, Orphanet 693661, MedGen C5907821, MONDO:0014222, OMIM 615513.

gnomAD v4.1: 9 of 1,610,692 alleles (0.00056%); highest among the groups gnomAD compares: Middle Eastern, 0.033%; no homozygotes.

Submission:

Labcorp Genetics (formerly Invitae), Labcorp
Classification: Uncertain significance for Activated PI3K-delta syndrome. Last evaluated: 2025-02-16. Review status: criteria provided, single submitter. Criteria: Invitae Variant Classification Sherloc (09022015). Collection method: clinical testing. Allele origin: germline.
Comment: This sequence change falls in intron 13 of the PIK3CD gene. It does not directly change the encoded amino acid sequence of the PIK3CD protein. It affects a nucleotide within the consensus splice site. This variant is present in population databases (rs754973687, gnomAD 0.01%). This variant has not been reported in the literature in individuals affected with PIK3CD-related conditions. ClinVar contains an entry for this variant (Variation ID: 2878680). Variants that disrupt the consensus splice site are a relatively common cause of aberrant splicing (PMID: 17576681, 9536098). Algorithms developed to predict the effect of sequence changes on RNA splicing suggest that this variant is not likely to affect RNA splicing. In summary, the available evidence is currently insufficient to determine the role of this variant in disease. Therefore, it has been classified as a Variant of Uncertain Significance.

Literature cited by the submitters: PubMed 17576681; PubMed 9536098.

NM_005026.5(PIK3CD):c.1690-3C>T

Gene: PIK3CD (phosphatidylinositol-4,5-bisphosphate 3-kinase catalytic subunit delta; plus strand). Cytogenetic location: 1p36.22.
Variant type: single nucleotide variant.
Coding change: c.1690-3C>T on transcript NM_005026.5 (MANE Select); 3 bases into the intron before coding-DNA position 1690, C replaced by T.
Molecular consequence: intron variant.
Genome position (GRCh38, 1-based): chr1:9,721,124, C>T. VCF-style: chr1-9721124-C-T. GRCh37 (hg19) VCF-style: chr1-9781182-C-T.
Other names: c.1687-3C>T (NM_001350234.2); c.1603-3C>T (NM_001350235.1).
Identifiers: ClinVar variation 2878680 (VCV002878680.3), dbSNP rs754973687, ClinGen allele CA577305.